The following is an entry in ClinVar:

NM_002878.4(RAD51D):c.667G>A (p.Gly223Ser)

Genes: RAD51D (RAD51 paralog D; minus strand), RAD51L3-RFFL (RAD51L3-RFFL readthrough; minus strand). Cytogenetic location: 17q12.
Variant type: single nucleotide variant.
Coding change: c.667G>A on transcript NM_002878.4 (MANE Select); coding-DNA position 667, G replaced by A.
Protein change: p.Gly223Ser; replaces glycine 223 with serine.
Molecular consequence: missense variant. On other transcripts: non-coding transcript variant (3).
Genome position (GRCh38, 1-based): chr17:35,103,454, C>T on the plus strand (G>A on the coding strand, the complement: RAD51D is on the minus strand). VCF-style: chr17-35103454-C-T. GRCh37 (hg19) VCF-style: chr17-33430473-C-T.
Other names: c.727G>A, p.Gly243Ser (NM_001142571.2); c.331G>A, p.Gly111Ser (NM_133629.3); short protein forms G223S, G111S, G243S.
Identifiers: ClinVar variation 418445 (VCV000418445.8), dbSNP rs1064793247, ClinGen allele CA16620383.

ClinVar aggregate classification (germline): Uncertain significance. Review status: criteria provided, multiple submitters, no conflicts (2 of 4 stars). 3 submissions from 3 submitters: Uncertain significance (3). Last evaluated 2025-12-15.

Conditions:
Hereditary cancer-predisposing syndrome. Also called: Neoplastic Syndromes, Hereditary; Tumor predisposition; Hereditary neoplastic syndrome; Hereditary Cancer Syndrome. Identifiers: Orphanet 140162, MedGen C0027672, MeSH D009386, MONDO:0015356.
Breast-ovarian cancer, familial, susceptibility to, 4. Identifiers: Orphanet 145, MedGen C3280345, MONDO:0013669, OMIM 614291.

Allele frequency attached by ClinVar (database versions not stated): gnomAD exomes below 0.00001.
gnomAD v4.1: 2 of 1,614,086 alleles (0.00012%); highest among the groups gnomAD compares: South Asian, 0.0022%; no homozygotes.

Submissions (3):

Ambry Genetics
Classification: Uncertain significance for Hereditary cancer-predisposing syndrome. Last evaluated: 2025-12-15. Review status: criteria provided, single submitter. Criteria: Ambry Variant Classification Scheme 2023. Collection method: clinical testing. Allele origin: germline.
Comment: The c.667G>A variant (also known as p.G223S), located in coding exon 7 of the RAD51D gene, results from a G to A substitution at nucleotide position 667. The amino acid change results in glycine to serine at codon 223, an amino acid with similar properties. However, this change occurs in the last base pair of coding exon 7, which makes it likely to have some effect on normal mRNA splicing. This nucleotide position is highly conserved in available vertebrate species. In silico splice site analysis predicts that this alteration may weaken the native splice donor site and may result in the creation or strengthening of a novel splice donor site; however, direct evidence is insufficient at this time (Ambry internal data). This amino acid position is highly conserved in available vertebrate species. In addition, this alteration is predicted to be deleterious by in silico analysis. Based on the available evidence, the clinical significance of this variant remains unclear.

Labcorp Genetics (formerly Invitae), Labcorp
Classification: Uncertain significance for Breast-ovarian cancer, familial, susceptibility to, 4. Last evaluated: 2024-10-03. Review status: criteria provided, single submitter. Criteria: Invitae Variant Classification Sherloc (09022015). Collection method: clinical testing. Allele origin: germline.
Comment: This sequence change replaces glycine, which is neutral and non-polar, with serine, which is neutral and polar, at codon 223 of the RAD51D protein (p.Gly223Ser). This variant also falls at the last nucleotide of exon 7, which is part of the consensus splice site for this exon. The frequency data for this variant in the population databases is considered unreliable, as metrics indicate poor data quality at this position in the gnomAD database. This variant has not been reported in the literature in individuals affected with RAD51D-related conditions. ClinVar contains an entry for this variant (Variation ID: 418445). An algorithm developed to predict the effect of missense changes on protein structure and function (PolyPhen-2) suggests that this variant is likely to be disruptive. Variants that disrupt the consensus splice site are a relatively common cause of aberrant splicing (PMID: 17576681, 9536098). Algorithms developed to predict the effect of sequence changes on RNA splicing suggest that this variant may disrupt the consensus splice site. In summary, the available evidence is currently insufficient to determine the role of this variant in disease. Therefore, it has been classified as a Variant of Uncertain Significance.

GeneDx
Classification: Uncertain significance. Last evaluated: 2014-10-16. Review status: criteria provided, single submitter. Criteria: GeneDx Variant Classification (06012015). Collection method: clinical testing. Allele origin: germline. Affected: yes.
Comment: This variant is denoted RAD51D c.667G>A at the cDNA level, p.Gly223Ser (G223S) at the protein level, and results in the change of a Glycine to a Serine (GGC>AGC). This variant has not, to our knowledge, been published in the literature as pathogenic or benign.. RAD51D Gly223Ser was not observed in approximately 6,500 individuals of European and African American ancestry in the NHLBI Exome Sequencing Project, indicating it is not a common benign variant in these populations. Since Glycine and Serine differ in polarity, charge, size or other properties, this is considered a non-conservative amino acid substitution. RAD51D Gly223Ser occurs at a position that is highly conserved among mammals and is located in within the C-terminal region that interacts with RAD51C (Miller 2004). In silico analyses predict that this variant is probably damaging to protein structure and function. Based on currently available information, it is unclear whether RAD51D Gly223Ser is pathogenic or benign. We consider it to be a variant of uncertain significance.

Literature cited by the submitters: PubMed 17576681 (cited by Labcorp Genetics (formerly Invitae), Labcorp); PubMed 9536098 (cited by Labcorp Genetics (formerly Invitae), Labcorp).